The following is an entry in ClinVar:

ClinVar aggregate classification (germline): Uncertain significance (1 of 4 stars; one submission).

Conditions:
MHC class II deficiency. Also called: Bare lymphocyte syndrome 2; BLS, TYPE II. Identifiers: Orphanet 572, MedGen C5447452, MONDO:0008855.

Allele frequency attached by ClinVar (database versions not stated): TOPMed 0.00001.

Submission:

Labcorp Genetics (formerly Invitae), Labcorp
Classification: Uncertain significance for MHC class II deficiency. Last evaluated: 2023-11-27. Review status: criteria provided, single submitter. Criteria: Invitae Variant Classification Sherloc (09022015). Collection method: clinical testing. Allele origin: germline.
Comment: This sequence change replaces threonine, which is neutral and polar, with alanine, which is neutral and non-polar, at codon 458 of the RFX5 protein (p.Thr458Ala). This variant is not present in population databases (gnomAD no frequency). This variant has not been reported in the literature in individuals affected with RFX5-related conditions. ClinVar contains an entry for this variant (Variation ID: 1984560). An algorithm developed to predict the effect of missense changes on protein structure and function (PolyPhen-2) suggests that this variant¬†is likely to be tolerated. In summary, the available evidence is currently insufficient to determine the role of this variant in disease. Therefore, it has been classified as a Variant of Uncertain Significance.

NM_001025603.2(RFX5):c.1372A>G (p.Thr458Ala)

Gene: RFX5 (regulatory factor X5; minus strand). Cytogenetic location: 1q21.3.
Variant type: single nucleotide variant.
Coding change: c.1372A>G on transcript NM_001025603.2 (MANE Select); coding-DNA position 1372, A replaced by G.
Protein change: p.Thr458Ala; replaces threonine 458 with alanine.
Molecular consequence: missense variant.
Genome position (GRCh38, 1-based): chr1:151,342,665, T>C on the plus strand (A>G on the coding strand, the complement: RFX5 is on the minus strand). VCF-style: chr1-151342665-T-C. GRCh37 (hg19) VCF-style: chr1-151315141-T-C.
Other names: c.1372A>G, p.Thr458Ala (NM_000449.4, NM_001379412.1, NM_001379413.1 and 5 more transcripts); c.1252A>G, p.Thr418Ala (NM_001379419.1, NM_001379420.1); short protein forms T458A, T418A.
Identifiers: ClinVar variation 1984560 (VCV001984560.3), dbSNP rs1650566115, ClinGen allele CA341927030.